The following is an entry in ClinVar:

ClinVar aggregate classification (germline): Uncertain significance (1 of 4 stars; one submission).

Conditions:
Primary ciliary dyskinesia. Also called: Ciliary dyskinesia. Identifiers: Orphanet 244, MedGen C0008780, MONDO:0016575, HP:0012265.

Allele frequency attached by ClinVar (database versions not stated): gnomAD 0.00001.
gnomAD v4.1: 25 of 1,613,968 alleles (0.0015%); highest among the groups gnomAD compares: Non-Finnish European, 0.0018%; no homozygotes.

Submission:

Labcorp Genetics (formerly Invitae), Labcorp
Classification: Uncertain significance for Primary ciliary dyskinesia. Last evaluated: 2022-07-26. Review status: criteria provided, single submitter. Criteria: Invitae Variant Classification Sherloc (09022015). Collection method: clinical testing. Allele origin: germline.
Comment: This sequence change replaces arginine, which is basic and polar, with histidine, which is basic and polar, at codon 2545 of the DNAH5 protein (p.Arg2545His). This variant is present in population databases (no rsID available, gnomAD 0.008%). This variant has not been reported in the literature in individuals affected with DNAH5-related conditions. Advanced modeling of protein sequence and biophysical properties (such as structural, functional, and spatial information, amino acid conservation, physicochemical variation, residue mobility, and thermodynamic stability) performed at Invitae indicates that this missense variant is not expected to disrupt DNAH5 protein function. In summary, the available evidence is currently insufficient to determine the role of this variant in disease. Therefore, it has been classified as a Variant of Uncertain Significance.

NM_001369.3(DNAH5):c.7634G>A (p.Arg2545His)

Gene: DNAH5 (dynein axonemal heavy chain 5; minus strand). Cytogenetic location: 5p15.2.
Variant type: single nucleotide variant.
Coding change: c.7634G>A on transcript NM_001369.3 (MANE Select); coding-DNA position 7634, G replaced by A.
Protein change: p.Arg2545His; replaces arginine 2545 with histidine.
Molecular consequence: missense variant.
Genome position (GRCh38, 1-based): chr5:13,809,162, C>T on the plus strand (G>A on the coding strand, the complement: DNAH5 is on the minus strand). VCF-style: chr5-13809162-C-T. GRCh37 (hg19) VCF-style: chr5-13809271-C-T.
Other names: short protein forms R2545H.
Identifiers: ClinVar variation 2176200 (VCV002176200.1), dbSNP rs139348927, ClinGen allele CA359230990.